The following is an entry in ClinVar:

NM_001365536.1(SCN9A):c.1797C>A (p.Ser599Arg)

Genes: SCN1A-AS1 (SCN1A and SCN9A antisense RNA 1; plus strand), SCN9A (sodium voltage-gated channel alpha subunit 9; minus strand). Cytogenetic location: 2q24.3.
Variant type: single nucleotide variant.
Coding change: c.1797C>A on transcript NM_001365536.1 (MANE Select); coding-DNA position 1797, C replaced by A.
Protein change: p.Ser599Arg; replaces serine 599 with arginine.
Molecular consequence: missense variant.
Genome position (GRCh38, 1-based): chr2:166,284,630, G>T on the plus strand (C>A on the coding strand, the complement: SCN9A is on the minus strand). VCF-style: chr2-166284630-G-T. GRCh37 (hg19) VCF-style: chr2-167141140-G-T.
Other names: c.1797C>A, p.Ser599Arg (NM_002977.4); short protein forms S599R.
Identifiers: ClinVar variation 2952635 (VCV002952635.3), dbSNP rs1362337541, ClinGen allele CA349083194.

ClinVar aggregate classification (germline): Uncertain significance (1 of 4 stars; one submission).

Conditions:
Neuropathy, hereditary sensory and autonomic, type 2A (HSAN2A). Also called: MORVAN DISEASE; NEUROPATHY, CONGENITAL SENSORY; NEUROPATHY, HEREDITARY SENSORY RADICULAR, AUTOSOMAL RECESSIVE; NEUROPATHY, HEREDITARY SENSORY, TYPE IIA; NEUROPATHY, PROGRESSIVE SENSORY, OF CHILDREN; HSAN IIA. Identifiers: Orphanet 970, MedGen C2752089, MONDO:0024309, OMIM 201300.
Generalized epilepsy with febrile seizures plus, type 7 (GEFSP7). Also called: GEFS+, TYPE 7. Identifiers: Orphanet 36387, MedGen C2751778, MONDO:0013470, OMIM 613863.

gnomAD v4.1: 1 of 1,613,988 alleles (0.000062%); highest among the groups gnomAD compares: Admixed American, 0.0017%; no homozygotes.

Submission:

Labcorp Genetics (formerly Invitae), Labcorp
Classification: Uncertain significance for Neuropathy, hereditary sensory and autonomic, type 2A; Generalized epilepsy with febrile seizures plus, type 7. Last evaluated: 2023-09-12. Review status: criteria provided, single submitter. Criteria: Invitae Variant Classification Sherloc (09022015). Collection method: clinical testing. Allele origin: germline.
Comment: Advanced modeling of protein sequence and biophysical properties (such as structural, functional, and spatial information, amino acid conservation, physicochemical variation, residue mobility, and thermodynamic stability) performed at Invitae indicates that this missense variant is not expected to disrupt SCN9A protein function. This variant has not been reported in the literature in individuals affected with SCN9A-related conditions. This variant is present in population databases (no rsID available, gnomAD 0.003%). This sequence change replaces serine, which is neutral and polar, with arginine, which is basic and polar, at codon 599 of the SCN9A protein (p.Ser599Arg). In summary, the available evidence is currently insufficient to determine the role of this variant in disease. Therefore, it has been classified as a Variant of Uncertain Significance.